The following is an entry in ClinVar:

ClinVar aggregate classification (germline): Uncertain significance (1 of 4 stars; one submission).

Submission:

Labcorp Genetics (formerly Invitae), Labcorp
Classification: Uncertain significance. Last evaluated: 2022-10-03. Review status: criteria provided, single submitter. Criteria: Invitae Variant Classification Sherloc (09022015). Collection method: clinical testing. Allele origin: germline.
Comment: This variant, c.826_828dup, results in the insertion of 1 amino acid(s) of the GNA11 protein (p.Lys276dup), but otherwise preserves the integrity of the reading frame. This variant is not present in population databases (gnomAD no frequency). In summary, the available evidence is currently insufficient to determine the role of this variant in disease. Therefore, it has been classified as a Variant of Uncertain Significance. This variant has not been reported in the literature in individuals affected with GNA11-related conditions.

NM_002067.5(GNA11):c.823AAG[3] (p.Lys276_Asp277insLys)

Gene: GNA11 (G protein subunit alpha 11; plus strand). Cytogenetic location: 19p13.3.
Variant type: Microsatellite.
Coding change: c.823AAG[3] on transcript NM_002067.5 (MANE Select); three copies in a row of the 3-base unit AAG starting at c.823; the reference has two copies in a row; one copy, 3 bases duplicated.
Protein change: p.Lys276_Asp277insLys.
Molecular consequence: inframe insertion.
Genome position (GRCh38, 1-based): chr19:3,119,296-3,119,298, AAG duplicated; duplicating any 3 consecutive bases within chr19:3,119,293-3,119,298 gives the same sequence; the position shown is the placement nearest the transcript's 3' end. VCF-style (leftmost placement, unchanged base first): chr19-3119292-C-CAAG. GRCh37 (hg19) VCF-style: chr19-3119290-C-CAAG.
Identifiers: ClinVar variation 2033656 (VCV002033656.4), dbSNP rs2512096606, ClinGen allele CA2580613022.
Genomic context (GRCh38, chr19:3,119,292, plus strand): 5'-GTTCCGGACCATCATCACCTACCCCTGGTTCCAGAACTCCTCCGTCATCCTCTTCCTCAA[C>CAAG]AAGAAGGACCTGCTGGAGGACAAGATCCTGTACTCGCACCTGGTGGACTACTTCCCCGAG-3'